The following is an entry in ClinVar:

NM_004341.5(CAD):c.1070_1071del (p.Val357fs)

Gene: CAD (carbamoyl-phosphate synthetase 2, aspartate transcarbamylase, and dihydroorotase; plus strand). Cytogenetic location: 2p23.3.
Variant type: Microsatellite.
Coding change: c.1070_1071del on transcript NM_004341.5 (MANE Select); coding-DNA positions 1070 to 1071, 2 bases deleted (TG; older notation c.1070_1071delTG).
Protein change: p.Val357fs; shifts the reading frame from valine 357.
Molecular consequence: frameshift variant.
Genome position (GRCh38, 1-based): chr2:27,223,991-27,223,992, TG deleted; deleting any 2 consecutive bases within chr2:27,223,989-27,223,992 gives the same sequence; the c. name uses the placement nearest the transcript's 3' end. VCF-style (leftmost placement, unchanged base first): chr2-27223988-CTG-C. GRCh37 (hg19) VCF-style: chr2-27446856-CTG-C.
Other names: p.Val357Glufs*14; c.1070_1071delTG (NM_004341.3); c.1070_1071del, p.Val357fs (NM_001306079.2); short protein forms V357fs.
Identifiers: ClinVar variation 817700 (VCV000817700.3), dbSNP rs1572426165, ClinGen allele CA915943748.

ClinVar aggregate classification (germline): Likely pathogenic. Review status: criteria provided, multiple submitters, no conflicts (2 of 4 stars). 2 submissions from 2 submitters: Likely pathogenic (2). Last evaluated 2023-03-08.

Submissions (2):

Mayo Clinic Laboratories, Mayo Clinic
Classification: Likely pathogenic. Last evaluated: 2023-03-08. Review status: criteria provided, single submitter. Criteria: ACMG Guidelines, 2015. Collection method: clinical testing. Allele origin: germline. Observed: 1 variant allele.
Comment: PM2, PVS1

GeneDx
Classification: Likely pathogenic. Last evaluated: 2020-04-16. Review status: criteria provided, single submitter. Criteria: GeneDx Variant Classification Process June 2021. Collection method: clinical testing. Allele origin: germline. Affected: yes.
Comment: Frameshift variant predicted to result in protein truncation or nonsense mediated decay in a gene for which loss-of-function is a known mechanism of disease; Not observed in large population cohorts (Lek et al., 2016); Has not been previously published as pathogenic or benign to our knowledge